The following is an entry in ClinVar:

ClinVar aggregate classification (germline): Uncertain significance (1 of 4 stars; one submission).

Conditions:
Charcot-Marie-Tooth disease type 4. Also called: Charcot-Marie-Tooth disease, type IV; Charcot-Marie-Tooth, Type 4. Identifiers: Orphanet 64749, MedGen C4082197, MONDO:0018995.

Submission:

Labcorp Genetics (formerly Invitae), Labcorp
Classification: Uncertain significance for Charcot-Marie-Tooth disease type 4. Last evaluated: 2020-02-10. Review status: criteria provided, single submitter. Criteria: Invitae Variant Classification Sherloc (09022015). Collection method: clinical testing. Allele origin: germline.
Comment: This sequence change replaces leucine with histidine at codon 521 of the MTMR2 protein (p.Leu521His). The leucine residue is highly conserved and there is a moderate physicochemical difference between leucine and histidine. In summary, the available evidence is currently insufficient to determine the role of this variant in disease. Therefore, it has been classified as a Variant of Uncertain Significance. Algorithms developed to predict the effect of missense changes on protein structure and function (SIFT, PolyPhen-2, Align-GVGD) all suggest that this variant is likely to be disruptive, but these predictions have not been confirmed by published functional studies and their clinical significance is uncertain. This variant has not been reported in the literature in individuals with MTMR2-related disease. This variant is not present in population databases (ExAC no frequency).

NM_016156.6(MTMR2):c.1562T>A (p.Leu521His)

Gene: MTMR2 (myotubularin related protein 2; minus strand). Cytogenetic location: 11q21.
Variant type: single nucleotide variant.
Coding change: c.1562T>A on transcript NM_016156.6 (MANE Select); coding-DNA position 1562, T replaced by A.
Protein change: p.Leu521His; replaces leucine 521 with histidine.
Molecular consequence: missense variant.
Genome position (GRCh38, 1-based): chr11:95,838,125, A>T on the plus strand (T>A on the coding strand, the complement: MTMR2 is on the minus strand). VCF-style: chr11-95838125-A-T. GRCh37 (hg19) VCF-style: chr11-95571289-A-T.
Other names: c.1346T>A, p.Leu449His (NM_001243571.2, NM_201278.3, NM_201281.3); short protein forms L521H, L449H.
Identifiers: ClinVar variation 581387 (VCV000581387.8), dbSNP rs1565344022, ClinGen allele CA382416561.
Genomic context (GRCh38, chr11:95,838,125, plus strand): 5'-TATGGGGAAGGTCATGTTTCATATTTTACCTCTTTTCCTCTCTGTTGTTCACTATTACAG[A>T]GGAATGTTCCGAATAAGCAGCTGTATAGGTGGTCCAAAATGGTAATGAGAAAATACTCAT-3'
Protein context (NP_057240.3, residues 511-531): HLYSCLFGTF[Leu521His]CNSEQQRGKE